The following is an entry in ClinVar:

ClinVar aggregate classification (germline): Pathogenic (1 of 4 stars; one submission).

Submission:

Labcorp Genetics (formerly Invitae), Labcorp
Classification: Pathogenic. Last evaluated: 2023-05-01. Review status: criteria provided, single submitter. Criteria: Invitae Variant Classification Sherloc (09022015). Collection method: clinical testing. Allele origin: germline.
Comment: This variant disrupts the triple helix domain of COL7A1. Glycine residues within the Gly-Xaa-Yaa repeats of the triple helix domain are required for the structure and stability of fibrillar collagens (PMID: 7695699, 8218237, 19344236), and variants at these glycine residues in COL7A1 are more frequently observed in individuals with disease than in the general population (PMID: 22058051). However, the clinical significance of this observation remains uncertain since only a limited number of affected individuals have been described to date. Advanced modeling of protein sequence and biophysical properties (such as structural, functional, and spatial information, amino acid conservation, physicochemical variation, residue mobility, and thermodynamic stability) performed at Invitae indicates that this missense variant is expected to disrupt COL7A1 protein function. This missense change has been observed in individual(s) with autosomal recessive dystrophic epidermolysis bullosa (PMID: 29473190). This variant is not present in population databases (gnomAD no frequency). This sequence change replaces glycine, which is neutral and non-polar, with arginine, which is basic and polar, at codon 2478 of the COL7A1 protein (p.Gly2478Arg). For these reasons, this variant has been classified as Pathogenic.

Literature cited by the submitters: PubMed 7695699; PubMed 8218237; PubMed 19344236; PubMed 22058051; PubMed 29473190.

NM_000094.4(COL7A1):c.7432G>C (p.Gly2478Arg)

Gene: COL7A1 (collagen type VII alpha 1 chain; minus strand). Cytogenetic location: 3p21.31.
Variant type: single nucleotide variant.
Coding change: c.7432G>C on transcript NM_000094.4 (MANE Select); coding-DNA position 7432, G replaced by C.
Protein change: p.Gly2478Arg; replaces glycine 2478 with arginine.
Molecular consequence: missense variant.
Genome position (GRCh38, 1-based): chr3:48,570,283, C>G on the plus strand (G>C on the coding strand, the complement: COL7A1 is on the minus strand). VCF-style: chr3-48570283-C-G. GRCh37 (hg19) VCF-style: chr3-48607716-C-G.
Other names: short protein forms G2478R.
Identifiers: ClinVar variation 2910171 (VCV002910171.3), dbSNP rs2530858727, ClinGen allele CA352646071.